The following is an entry in ClinVar:

ClinVar aggregate classification (germline): Likely benign. Review status: reviewed by expert panel (3 of 4 stars). 6 submissions from 6 submitters: Likely benign (1). 5 of the submissions do not count toward it. Last evaluated 2017-06-29.

Conditions:
BRCA2-related cancer predisposition. Identifiers: MedGen CN377758, MONDO:0700269.
Hereditary cancer-predisposing syndrome. Also called: Neoplastic Syndromes, Hereditary; Hereditary neoplastic syndrome; Tumor predisposition; Hereditary Cancer Syndrome. Identifiers: Orphanet 140162, MedGen C0027672, MeSH D009386, MONDO:0015356.
Breast-ovarian cancer, familial, susceptibility to, 2 (BROVCA2). Also called: BRCA2 Hereditary Breast and Ovarian Cancer. Identifiers: Orphanet 145, MedGen C2675520, MONDO:0012933, OMIM 612555. Disease mechanism: loss of function.
Hereditary breast ovarian cancer syndrome. Also called: Hereditary breast and ovarian cancer; Breast and ovarian cancer; BRCA1- and BRCA2-Associated Hereditary Breast and Ovarian Cancer; Hereditary breast and ovarian cancer syndrome (HBOC); Hereditary breast and/or ovarian cancer syndrome; Hereditary breast and ovarian cancer syndrome. Identifiers: Orphanet 145, MedGen C0677776, MeSH D061325, MONDO:0003582. Disease mechanism: loss of function.

Allele frequency attached by ClinVar (database versions not stated): gnomAD exomes 0.00001; ExAC 0.00002.
gnomAD v4.1: 16 of 1,613,806 alleles (0.00099%); highest among the groups gnomAD compares: Non-Finnish European, 0.0014%; no homozygotes.

Submissions (6):

Evidence-based Network for the Interpretation of Germline Mutant Alleles (ENIGMA)
Classification: Likely benign for Breast-ovarian cancer, familial, susceptibility to, 2. Last evaluated: 2017-06-29. Review status: reviewed by expert panel. Criteria: ENIGMA BRCA1/2 Classification Criteria (2017-06-29). Collection method: curation. Allele origin: germline.
Comment: Synonymous substitution variant, with low bioinformatic likelihood to result in a splicing aberration (Splicing prior probability 0.02).

Labcorp Genetics (formerly Invitae), Labcorp
Classification: Likely benign for Hereditary breast ovarian cancer syndrome. Last evaluated: 2026-01-31. Review status: criteria provided, single submitter. Criteria: Invitae Variant Classification Sherloc (09022015). Collection method: clinical testing. Allele origin: germline. Not counted in ClinVar's aggregate classification.

All of Us Research Program, National Institutes of Health
Classification: Likely benign for BRCA2-related cancer predisposition. Last evaluated: 2024-08-13. Review status: criteria provided, single submitter. Criteria: ACMG Guidelines, 2015. Collection method: clinical testing. Allele origin: germline. Inheritance: Autosomal dominant inheritance. Observed: 2 variant alleles, 2 heterozygotes. Not counted in ClinVar's aggregate classification.
Comment: This study involves interpretation of variants in research participants for the purpose of population health screening. Participant phenotype was not available at the time of variant classification. Additional details can be found in publication PMID: 35346344, PMCID: PMC8962531

Ambry Genetics
Classification: Likely benign for Hereditary cancer-predisposing syndrome. Last evaluated: 2019-07-29. Review status: criteria provided, single submitter. Criteria: Ambry Variant Classification Scheme 2023. Collection method: clinical testing. Allele origin: germline. Not counted in ClinVar's aggregate classification.

GeneDx
Classification: Likely benign. Last evaluated: 2019-04-17. Review status: criteria provided, single submitter. Criteria: GeneDx Variant Classification Process June 2021. Collection method: clinical testing. Allele origin: germline. Affected: yes. Not counted in ClinVar's aggregate classification.

Color Diagnostics, LLC DBA Color Health
Classification: Likely benign for Hereditary cancer-predisposing syndrome. Last evaluated: 2015-11-25. Review status: criteria provided, single submitter. Criteria: ACMG Guidelines, 2015. Collection method: clinical testing. Allele origin: germline. Not counted in ClinVar's aggregate classification.

NM_000059.4(BRCA2):c.2994T>G (p.Gly998=)

Gene: BRCA2 (BRCA2 DNA repair associated; plus strand). Cytogenetic location: 13q13.1.
Variant type: single nucleotide variant.
Coding change: c.2994T>G on transcript NM_000059.4 (MANE Select); coding-DNA position 2994, T replaced by G.
Protein change: p.Gly998=; no amino-acid change (glycine 998 retained).
Molecular consequence: synonymous variant.
Genome position (GRCh38, 1-based): chr13:32,337,349, T>G. VCF-style: chr13-32337349-T-G. GRCh37 (hg19) VCF-style: chr13-32911486-T-G.
Identifiers: ClinVar variation 384189 (VCV000384189.24), dbSNP rs756171672, ClinGen allele CA6940653.